The following is an entry in ClinVar:

NM_025114.4(CEP290):c.4812+1G>T

Gene: CEP290 (centrosomal protein 290; minus strand). Cytogenetic location: 12q21.32.
Variant type: single nucleotide variant.
Coding change: c.4812+1G>T on transcript NM_025114.4 (MANE Select); the canonical splice donor site of the intron after coding-DNA position 4812, G replaced by T.
Molecular consequence: splice donor variant.
Genome position (GRCh38, 1-based): chr12:88,083,846, C>A on the plus strand (G>T on the coding strand, the complement: CEP290 is on the minus strand). VCF-style: chr12-88083846-C-A. GRCh37 (hg19) VCF-style: chr12-88477623-C-A.
Identifiers: ClinVar variation 2953519 (VCV002953519.3), dbSNP rs2137167420, ClinGen allele CA385993102.
Genomic context (GRCh38, chr12:88,083,846, plus strand): 5'-ATTTTAATTTACATGGTCACAAAAATCAATAAAGAATGGAACAAAGTTCTTAGAATCTTA[C>A]CCAAGCCGTTTGTTTGAATTTATTTAGTGAACTATCAGCCTGTAGTTCTAATCTGTGATG-3'

ClinVar aggregate classification (germline): Likely pathogenic (1 of 4 stars; one submission).

Conditions:
Joubert syndrome. Also called: CEREBELLOPARENCHYMAL DISORDER IV; JOUBERT-BOLTSHAUSER SYNDROME; Familial aplasia of the vermis. Identifiers: Orphanet 475, MedGen C5979921, MONDO:0018772.
Nephronophthisis. Also called: Juvenile Nephronophthisis. Identifiers: Orphanet 655, MedGen C0687120, MONDO:0019005, HP:0000090.
Meckel-Gruber syndrome. Also called: DYSENCEPHALIA SPLANCHNOCYSTICA; GRUBER SYNDROME; Dysencephalia splachnocystica. Identifiers: Orphanet 564, MedGen C0265215, MONDO:0018921.

Submission:

Labcorp Genetics (formerly Invitae), Labcorp
Classification: Likely pathogenic for Joubert syndrome; Meckel-Gruber syndrome; Nephronophthisis. Last evaluated: 2023-11-03. Review status: criteria provided, single submitter. Criteria: Invitae Variant Classification Sherloc (09022015). Collection method: clinical testing. Allele origin: germline.
Comment: This sequence change affects a donor splice site in intron 36 of the CEP290 gene. It is expected to disrupt RNA splicing. Variants that disrupt the donor or acceptor splice site typically lead to a loss of protein function (PMID: 16199547), and loss-of-function variants in CEP290 are known to be pathogenic (PMID: 16909394, 17345604, 20690115). This variant is not present in population databases (gnomAD no frequency). This variant has not been reported in the literature in individuals affected with CEP290-related conditions. Algorithms developed to predict the effect of sequence changes on RNA splicing suggest that this variant may disrupt the consensus splice site. In summary, the currently available evidence indicates that the variant is pathogenic, but additional data are needed to prove that conclusively. Therefore, this variant has been classified as Likely Pathogenic.

Literature cited by the submitters: PubMed 16199547; PubMed 16909394; PubMed 17345604; PubMed 20690115.